The following is an entry in ClinVar:

ClinVar aggregate classification (germline): Pathogenic (1 of 4 stars; one submission).

Conditions:
Nephronophthisis. Also called: Juvenile Nephronophthisis. Identifiers: Orphanet 655, MedGen C0687120, MONDO:0019005, HP:0000090.

Submission:

Labcorp Genetics (formerly Invitae), Labcorp
Classification: Pathogenic for Nephronophthisis. Last evaluated: 2024-03-12. Review status: criteria provided, single submitter. Criteria: Invitae Variant Classification Sherloc (09022015). Collection method: clinical testing. Allele origin: germline.
Comment: This sequence change creates a premature translational stop signal (p.Tyr362Serfs*45) in the NPHP4 gene. It is expected to result in an absent or disrupted protein product. Loss-of-function variants in NPHP4 are known to be pathogenic (PMID: 12205563, 23559409). This variant is not present in population databases (gnomAD no frequency). This premature translational stop signal has been observed in individual(s) with a nephronophthisis-related ciliopathy (PMID: 23559409). ClinVar contains an entry for this variant (Variation ID: 1069885). For these reasons, this variant has been classified as Pathogenic.

Literature cited by the submitters: PubMed 12205563; PubMed 23559409.

NM_015102.5(NPHP4):c.1082_1083dup (p.Tyr362fs)

Gene: NPHP4 (nephrocystin 4; minus strand). Cytogenetic location: 1p36.31.
Variant type: Duplication.
Coding change: c.1082_1083dup on transcript NM_015102.5 (MANE Select); coding-DNA positions 1082 to 1083, 2 bases duplicated (AG; older notation c.1082_1083dupAG).
Protein change: p.Tyr362fs; shifts the reading frame from tyrosine 362.
Molecular consequence: frameshift variant. On other transcripts: 5 prime UTR variant (2), non-coding transcript variant (1).
Genome position (GRCh38, 1-based): chr1:5,947,140-5,947,141, CT duplicated on the plus strand (AG on the coding strand, the reverse complement: NPHP4 is on the minus strand); duplicating any 2 consecutive bases within chr1:5,947,140-5,947,142 gives the same sequence; the c. name uses the placement nearest the transcript's 3' end. VCF-style (leftmost placement, unchanged base first): chr1-5947139-A-ACT. GRCh37 (hg19) VCF-style: chr1-6007199-A-ACT.
Other names: c.-285_-284dup (NM_001291593.2, NM_001291594.2); short protein forms Y362fs.
Identifiers: ClinVar variation 1069885 (VCV001069885.7), dbSNP rs2101924403, ClinGen allele CA2499214820.